The following is an entry in ClinVar:

NM_000334.4(SCN4A):c.98T>C (p.Val33Ala)

Gene: SCN4A (sodium voltage-gated channel alpha subunit 4; minus strand). Cytogenetic location: 17q23.3.
Variant type: single nucleotide variant.
Coding change: c.98T>C on transcript NM_000334.4 (MANE Select); coding-DNA position 98, T replaced by C.
Protein change: p.Val33Ala; replaces valine 33 with alanine.
Molecular consequence: missense variant.
Genome position (GRCh38, 1-based): chr17:63,972,744, A>G on the plus strand (T>C on the coding strand, the complement: SCN4A is on the minus strand). VCF-style: chr17-63972744-A-G. GRCh37 (hg19) VCF-style: chr17-62050104-A-G.
Other names: short protein forms V33A.
Identifiers: ClinVar variation 4747015 (VCV004747015.1).

ClinVar aggregate classification (germline): Uncertain significance (1 of 4 stars; one submission).

Conditions:
Hyperkalemic periodic paralysis. Also called: Familial hyperkalemic periodic paralysis; Gamstorp disease. Identifiers: Orphanet 682, MedGen C0238357, MONDO:0008224, OMIM 170500, HP:0007215.

gnomAD v4.1: 1 of 1,613,244 alleles (0.000062%); highest among the groups gnomAD compares: African/African-American, 0.0013%; no homozygotes.

Submission:

Labcorp Genetics (formerly Invitae), Labcorp
Classification: Uncertain significance for Hyperkalemic periodic paralysis. Last evaluated: 2025-06-15. Review status: criteria provided, single submitter. Criteria: Invitae Variant Classification Sherloc (09022015). Collection method: clinical testing. Allele origin: germline.
Comment: This sequence change replaces valine, which is neutral and non-polar, with alanine, which is neutral and non-polar, at codon 33 of the SCN4A protein (p.Val33Ala). This variant is not present in population databases (gnomAD no frequency). This variant has not been reported in the literature in individuals affected with SCN4A-related conditions. Invitae Evidence Modeling of protein sequence and biophysical properties (such as structural, functional, and spatial information, amino acid conservation, physicochemical variation, residue mobility, and thermodynamic stability) indicates that this missense variant is not expected to disrupt SCN4A protein function with a negative predictive value of 95%. In summary, the available evidence is currently insufficient to determine the role of this variant in disease. Therefore, it has been classified as a Variant of Uncertain Significance.